The following is an entry in ClinVar:

ClinVar aggregate classification (germline): Conflicting classifications of pathogenicity. Review status: criteria provided, conflicting classifications (1 of 4 stars). 4 submissions from 4 submitters: Uncertain significance (2); Likely benign (1). 1 of the submissions does not count toward it. Last evaluated 2024-03-27.

Conditions:
Hereditary cancer-predisposing syndrome. Also called: Hereditary Cancer Syndrome; Neoplastic Syndromes, Hereditary; Tumor predisposition; Hereditary neoplastic syndrome. Identifiers: Orphanet 140162, MedGen C0027672, MeSH D009386, MONDO:0015356.
Microcephaly, normal intelligence and immunodeficiency (NBS). Also called: BERLIN BREAKAGE SYNDROME; Ataxia telangiectasia variant V1; IMMUNODEFICIENCY, MICROCEPHALY, AND CHROMOSOMAL INSTABILITY; SEEMANOVA SYNDROME II; Nijmegen breakage syndrome; Microcephaly with normal intelligence immunodeficiency and lymphoreticular malignancies. Identifiers: Orphanet 647, MedGen C0398791, MONDO:0009623, OMIM 251260.

Submissions (4):

Ambry Genetics
Classification: Likely benign for Hereditary cancer-predisposing syndrome. Last evaluated: 2024-03-27. Review status: criteria provided, single submitter. Criteria: Ambry Variant Classification Scheme 2023. Collection method: clinical testing. Allele origin: germline.

Labcorp Genetics (formerly Invitae), Labcorp
Classification: Uncertain significance for Microcephaly, normal intelligence and immunodeficiency. Last evaluated: 2023-07-25. Review status: criteria provided, single submitter. Criteria: Invitae Variant Classification Sherloc (09022015). Collection method: clinical testing. Allele origin: germline.
Comment: In summary, the available evidence is currently insufficient to determine the role of this variant in disease. Therefore, it has been classified as a Variant of Uncertain Significance. Algorithms developed to predict the effect of missense changes on protein structure and function output the following: SIFT: "Not Available"; PolyPhen-2: "Benign"; Align-GVGD: "Not Available". The valine amino acid residue is found in multiple mammalian species, which suggests that this missense change does not adversely affect protein function. ClinVar contains an entry for this variant (Variation ID: 231939). This variant has not been reported in the literature in individuals affected with NBN-related conditions. This variant is not present in population databases (gnomAD no frequency). This sequence change replaces isoleucine, which is neutral and non-polar, with valine, which is neutral and non-polar, at codon 558 of the NBN protein (p.Ile558Val).

Genome-Nilou Lab
Classification: Uncertain significance for Microcephaly, normal intelligence and immunodeficiency. Last evaluated: 2021-11-07. Review status: criteria provided, single submitter. Criteria: ACMG Guidelines, 2015. Collection method: clinical testing. Allele origin: germline. Affected: no.

Natera, Inc.
Classification: Uncertain significance for Nijmegen breakage syndrome. Last evaluated: 2021-07-12. Review status: no assertion criteria provided. Collection method: clinical testing. Allele origin: germline. Not counted in ClinVar's aggregate classification.

NM_002485.5(NBN):c.1672A>G (p.Ile558Val)

Gene: NBN (nibrin; minus strand). Cytogenetic location: 8q21.3.
Variant type: single nucleotide variant.
Coding change: c.1672A>G on transcript NM_002485.5 (MANE Select); coding-DNA position 1672, A replaced by G.
Protein change: p.Ile558Val; replaces isoleucine 558 with valine.
Molecular consequence: missense variant.
Genome position (GRCh38, 1-based): chr8:89,953,417, T>C on the plus strand (A>G on the coding strand, the complement: NBN is on the minus strand). VCF-style: chr8-89953417-T-C. GRCh37 (hg19) VCF-style: chr8-90965645-T-C.
Other names: c.1426A>G, p.Ile476Val (NM_001024688.3); short protein forms I558V, I476V.
Identifiers: ClinVar variation 231939 (VCV000231939.20), dbSNP rs876659451, ClinGen allele CA10578755.